The following is an entry in ClinVar:

NM_025243.4(SLC19A3):c.44C>T (p.Pro15Leu)

Gene: SLC19A3 (solute carrier family 19 member 3; minus strand). Cytogenetic location: 2q36.3.
Variant type: single nucleotide variant.
Coding change: c.44C>T on transcript NM_025243.4 (MANE Select); coding-DNA position 44, C replaced by T.
Protein change: p.Pro15Leu; replaces proline 15 with leucine.
Molecular consequence: missense variant. On other transcripts: 5 prime UTR variant (2).
Genome position (GRCh38, 1-based): chr2:227,702,275, G>A on the plus strand (C>T on the coding strand, the complement: SLC19A3 is on the minus strand). VCF-style: chr2-227702275-G-A. GRCh37 (hg19) VCF-style: chr2-228566991-G-A.
Other names: c.44C>T, p.Pro15Leu (NM_001371411.1, NM_001371412.1); c.-165C>T (NM_001371413.1, NM_001371414.1); short protein forms P15L.
Identifiers: ClinVar variation 5004854 (VCV005004854.1).
Genomic context (GRCh38, chr2:227,702,275, plus strand): 5'-AGGAATGGTTCTGAGGGTCTCATCATGGAGAAAAAACCAAATAAGCAGAGGATCACAGTG[G>A]GGTAAATCCAGGAACTGCTTAGTGAAGTTCTGTAACAATCCATGGCTGATCAAATGGAAA-3'
Protein context (NP_079519.1, residues 5-25): RTSLSSSWIY[Pro15Leu]TVILCLFGFF

ClinVar aggregate classification (germline): Uncertain significance (1 of 4 stars; one submission).

Conditions:
Biotin-responsive basal ganglia disease (BTBGD). Also called: Thiamine Transporter-2 Deficiency; Thiamine metabolism dysfunction syndrome 2 (biotin- or thiamine-responsive encephalopathy type 2); thiamine-responsive encephalopathy; Thiamine metabolism dysfunction syndrome type 2; THIAMINE METABOLISM DYSFUNCTION SYNDROME 2 (BIOTIN- AND THIAMINE-RESPONSIVE TYPE). Identifiers: Orphanet 199348, Orphanet 65284, MedGen C1843807, MONDO:0011841, OMIM 607483.

Submission:

Myriad Genetics, Inc.
Classification: Uncertain significance for Biotin-responsive basal ganglia disease. Last evaluated: 2026-08-19. Review status: criteria provided, single submitter. Criteria: Myriad Autosomal Dominant, Autosomal Recessive and X-Linked Classification Criteria (2023). Collection method: clinical testing. Allele origin: unknown.
Comment: NM_025243.3(SLC19A3):c.44C>T(P15L) is a missense variant classified as a variant of uncertain significance in the context of biotin-thiamine-responsive basal ganglia disease. P15L has been observed in a case with relevant disease (PMID: 34276785). Relevant functional assessments of this variant are not available in the literature. P15L has not been observed in referenced population frequency databases. In summary, there is insufficient evidence to classify NM_025243.3(SLC19A3):c.44C>T(P15L) as pathogenic or benign. Please note: this variant was assessed in the context of healthy population screening.

Literature cited by the submitters: PubMed 34276785.